The following is an entry in ClinVar:

NM_015450.3(POT1):c.104C>A (p.Pro35Gln)

Gene: POT1 (protection of telomeres 1; minus strand). Cytogenetic location: 7q31.33.
Variant type: single nucleotide variant.
Coding change: c.104C>A on transcript NM_015450.3 (MANE Select); coding-DNA position 104, C replaced by A.
Protein change: p.Pro35Gln; replaces proline 35 with glutamine.
Molecular consequence: missense variant. On other transcripts: 5 prime UTR variant (1), non-coding transcript variant (3).
Genome position (GRCh38, 1-based): chr7:124,892,286, G>T on the plus strand (C>A on the coding strand, the complement: POT1 is on the minus strand). VCF-style: chr7-124892286-G-T. GRCh37 (hg19) VCF-style: chr7-124532340-G-T.
Other names: c.-159C>A (NM_001042594.2); short protein forms P35Q.
Identifiers: ClinVar variation 1776532 (VCV001776532.2), dbSNP rs2485562531, ClinGen allele CA369066010.

ClinVar aggregate classification (germline): Uncertain significance (1 of 4 stars; one submission).

Conditions:
Hereditary cancer-predisposing syndrome. Also called: Neoplastic Syndromes, Hereditary; Tumor predisposition; Hereditary Cancer Syndrome; Hereditary neoplastic syndrome. Identifiers: Orphanet 140162, MedGen C0027672, MeSH D009386, MONDO:0015356.

Submission:

Ambry Genetics
Classification: Uncertain significance for Hereditary cancer-predisposing syndrome. Last evaluated: 2022-01-29. Review status: criteria provided, single submitter. Criteria: Ambry Variant Classification Scheme 2023. Collection method: clinical testing. Allele origin: germline.
Comment: The p.P35Q variant (also known as c.104C>A), located in coding exon 2 of the POT1 gene, results from a C to A substitution at nucleotide position 104. The proline at codon 35 is replaced by glutamine, an amino acid with similar properties. This amino acid position is conserved. In addition, this alteration is predicted to be deleterious by in silico analysis. Since supporting evidence is limited at this time, the clinical significance of this alteration remains unclear.